The following is an entry in ClinVar:

NM_004006.3(DMD):c.3940C>T (p.Arg1314Ter)

Gene: DMD (dystrophin; minus strand). Cytogenetic location: Xp21.1.
Variant type: single nucleotide variant.
Coding change: c.3940C>T on transcript NM_004006.3 (MANE Select); coding-DNA position 3940, C replaced by T.
Protein change: p.Arg1314Ter; replaces arginine 1314 with a stop codon.
Molecular consequence: nonsense.
Genome position (GRCh38, 1-based): chrX:32,438,372, G>A on the plus strand (C>T on the coding strand, the complement: DMD is on the minus strand). VCF-style: chrX-32438372-G-A. GRCh37 (hg19) VCF-style: chrX-32456489-G-A.
Other names: p.R1314*:CGA>TGA; c.3928C>T, p.Arg1310Ter (NM_004009.3); c.3571C>T, p.Arg1191Ter (NM_004010.3); c.3916C>T, p.Arg1306Ter (NM_000109.4); short protein forms R1314*, R1310*, R1191*, R1306*.
Identifiers: ClinVar variation 11283 (VCV000011283.40), dbSNP rs5030730, ClinGen allele CA255776.
Genomic context (GRCh38, chrX:32,438,372, plus strand): 5'-CGCCATCTGTTAGGGTCTGTGCCAATATGCGAATCTGATTTGGGTTATCCTCTGAATGTC[G>A]CATCAAATTTTCAAGTGACTGAAACACATTTGCAATAATTACTATTTCTCCTTTTTTTTC-3'

ClinVar aggregate classification (germline): Pathogenic. Review status: criteria provided, multiple submitters, no conflicts (2 of 4 stars). 14 submissions from 14 submitters: Pathogenic (11). 3 of the submissions do not count toward it. Last evaluated 2026-04-01.

Conditions:
DMD-related disorder. Also called: DMD-related condition.
Cardiovascular phenotype. Identifiers: MedGen CN230736.
Neuromuscular disease caused by qualitative or quantitative defects of dystrophin. Also called: Qualitative or quantitative defects of dystrophin. Identifiers: Orphanet 207085, MedGen C5679787, MONDO:0016147.
Duchenne muscular dystrophy (DMD). Also called: Duchenne Muscular Dystrophy (DMD); MUSCULAR DYSTROPHY, PSEUDOHYPERTROPHIC PROGRESSIVE, DUCHENNE TYPE. Identifiers: Orphanet 98896, MedGen C0013264, MONDO:0010679, OMIM 310200.
Becker muscular dystrophy (BMD). Also called: MUSCULAR DYSTROPHY, PSEUDOHYPERTROPHIC PROGRESSIVE, BECKER TYPE; Becker Muscular Dystrophy (BMD). Identifiers: Orphanet 98895, MedGen C0917713, MONDO:0010311, OMIM 300376.

Submissions (14):

CeGaT Center for Human Genetics Tuebingen
Classification: Pathogenic. Last evaluated: 2026-04-01. Review status: criteria provided, single submitter. Criteria: CeGaT Center For Human Genetics Tuebingen Variant Classification Criteria Version 2. Collection method: clinical testing. Allele origin: germline. Affected: yes. Observed: 2 variant alleles.
Comment: DMD: PS4, PVS1:Strong, PM2

Labcorp Genetics (formerly Invitae), Labcorp
Classification: Pathogenic for Duchenne muscular dystrophy. Last evaluated: 2025-12-24. Review status: criteria provided, single submitter. Criteria: Invitae Variant Classification Sherloc (09022015). Collection method: clinical testing. Allele origin: germline.
Comment: This sequence change creates a premature translational stop signal (p.Arg1314*) in the DMD gene. RNA analysis indicates that this premature translational stop signal induces altered splicing and likely results in a shortened protein product. This variant is not present in population databases (gnomAD no frequency). This premature translational stop signal has been observed in individuals with Becker muscular dystrophy (PMID: 11039581, 17041906, 19959795, 24292997, 29581631). ClinVar contains an entry for this variant (Variation ID: 11283). Studies have shown that this premature translational stop signal results in skipping of exon 29, but is expected to preserve the integrity of the reading-frame (PMID: 11039581, 17041906, 24292997). For these reasons, this variant has been classified as Pathogenic.

PreventionGenetics, part of Exact Sciences
Classification: Pathogenic for DMD-related condition. Last evaluated: 2025-01-06. Review status: criteria provided, single submitter. Criteria: ACMG Guidelines, 2015. Collection method: clinical testing. Allele origin: germline.
Comment: The DMD c.3940C>T variant is predicted to result in premature protein termination (p.Arg1314*). This variant was reported in individuals with muscular dystrophy (see, for example, Torella et al. 2010. PubMed ID: 19959795; Aartsma-Rus et al. 2006. PubMed ID: 16770791; Xu et al. 2018. PubMed ID: 29604111). This variant has not been reported in a large population database (gnomAD), indicating this variant is rare. Nonsense variants in DMD are expected to be pathogenic. This variant is interpreted as pathogenic.

GeneDx
Classification: Pathogenic. Last evaluated: 2024-12-02. Review status: criteria provided, single submitter. Criteria: GeneDx Variant Classification Process June 2021. Collection method: clinical testing. Allele origin: germline. Affected: yes.
Comment: Nonsense variant predicted to result in protein truncation or nonsense mediated decay, and other loss-of-function variants have been reported downstream in HGMD; Published functional studies demonstrate that alternative splicing leads to different transcripts, some of which include exon skipping that bypasses the nonsense variant and correlates with a less severe phenotype (PMID: 11039581, 17041906); Not observed at significant frequency in large population cohorts (gnomAD); Based on the understanding of this genetic alteration, it may be amenable to nonsense read-through therapy that is currently available or in clinical trial; This variant is associated with the following publications: (PMID: 28116794, 17041906, 25525159, 16770791, 19959795, 25972034, 29604111, 28859693, 25612904, 28597072, 21972111, 29641567, 29581631, 35653365, 30833962, 11039581)

Genomic Medicine Center of Excellence, King Faisal Specialist Hospital and Research Centre
Classification: Pathogenic for Duchenne muscular dystrophy. Last evaluated: 2024-03-25. Review status: criteria provided, single submitter. Criteria: ACMG Guidelines, 2015. Collection method: research. Allele origin: germline.

Women's Health and Genetics/Laboratory Corporation of America, LabCorp
Classification: Pathogenic for Neuromuscular disease caused by qualitative or quantitative defects of dystrophin. Last evaluated: 2023-07-28. Review status: criteria provided, single submitter. Criteria: LabCorp Variant Classification Summary - May 2015. Collection method: clinical testing. Allele origin: germline.
Comment: Variant summary: DMD c.3940C>T (p.Arg1314X) results in a premature termination codon, predicted to cause a truncation of the encoded protein or absence of the protein due to nonsense mediated decay, which are commonly known mechanisms for disease. Variants downstream of this position have been classified as pathogenic by our laboratory. The variant was absent in 182875 control chromosomes (gnomAD). c.3940C>T has been reported in the literature in multiple hemizygous males affected with Becker Muscular Dystrophy, dilated cardiomyopathy, and elevated serum creatine kinase levels (e.g., Franz_2000, Ginjaar_2000, Deburgrave_2007, Torella_2010), and the variant has been shown to segregate with disease in related individuals. These data indicate that the variant is very likely to be associated with disease. Several publications report experimental evidence evaluating an impact on protein, finding that alternative exon skipping restored the open reading frame in a portion of transcripts in patient tissue, however, the level of exon skipping varied across tissues and between patients, correlating with disease severity and phenotypic outcomes (e.g., Franz_2000, Ginjaar_2000, Deburgrave_2007). The following publications have been ascertained in the context of this evaluation (PMID: 17041906, 10832829, 11039581, 19959795). Five submitters have reported clinical-significance assessments for this variant to ClinVar after 2014. All submitters classified the variant as pathogenic. Based on the evidence outlined above, the variant was classified as pathogenic.

Revvity Omics, Revvity
Classification: Pathogenic. Last evaluated: 2023-01-08. Review status: criteria provided, single submitter. Criteria: ACMG Guidelines, 2015. Collection method: clinical testing. Allele origin: germline.

Molecular Diagnostic Laboratory for Inherited Cardiovascular Disease, Montreal Heart Institute
Classification: Pathogenic for Cardiovascular phenotype. Last evaluated: 2021-05-14. Review status: criteria provided, single submitter. Criteria: ACMG Guidelines, 2015. Collection method: clinical testing. Allele origin: germline. Affected: yes.

Blueprint Genetics
Classification: Pathogenic for DMD-related disorders. Last evaluated: 2019-06-03. Review status: criteria provided, single submitter. Criteria: ACMG Guidelines, 2015. Collection method: clinical testing. Allele origin: germline. Affected: yes. Observed: 1 variant allele.

Athena Diagnostics
Classification: Pathogenic. Last evaluated: 2018-09-10. Review status: criteria provided, single submitter. Criteria: Athena Diagnostics Criteria. Collection method: clinical testing. Allele origin: germline.
Comment: The variant creates a premature nonsense codon, and is therefore predicted to significantly disrupt the protein structure. Found in at least one symptomatic patient, and not found in general population data.

Eurofins Ntd Llc (ga)
Classification: Pathogenic. Last evaluated: 2017-06-22. Review status: criteria provided, single submitter. Criteria: EGL Classification Definitions 2015. Collection method: clinical testing. Allele origin: germline.

OMIM
Classification: Pathogenic for BECKER MUSCULAR DYSTROPHY. Last evaluated: 2000-10-01. Review status: no assertion criteria provided. Collection method: literature only. Allele origin: germline. Not counted in ClinVar's aggregate classification.

Diagnostic Laboratory, Department of Genetics, University Medical Center Groningen
Classification: Pathogenic. Review status: no assertion criteria provided. Collection method: clinical testing. Allele origin: germline. Affected: yes. Study: VKGL Data-share Consensus. Not counted in ClinVar's aggregate classification.

Genome Diagnostics Laboratory, University Medical Center Utrecht
Classification: Pathogenic. Review status: no assertion criteria provided. Collection method: clinical testing. Allele origin: germline. Affected: yes. Study: VKGL Data-share Consensus. Not counted in ClinVar's aggregate classification.

Literature cited by the submitters: PubMed 11039581 (cited by 4 submitters); PubMed 17041906 (cited by 3 submitters); PubMed 19959795 (cited by 3 submitters); PubMed 24292997 (cited by Labcorp Genetics (formerly Invitae), Labcorp); PubMed 29581631 (cited by Labcorp Genetics (formerly Invitae), Labcorp and Athena Diagnostics); PubMed 10832829 (cited by Women's Health and Genetics/Laboratory Corporation of America, LabCorp and Athena Diagnostics); PubMed 28859693 (cited by Athena Diagnostics); PubMed 28116794 (cited by Athena Diagnostics); PubMed 25972034 (cited by Athena Diagnostics); PubMed 29641567 (cited by Athena Diagnostics); PubMed 25612904 (cited by Athena Diagnostics).